The following is an entry in ClinVar:

NM_000051.4(ATM):c.9046A>G (p.Lys3016Glu)

Genes: ATM (ATM serine/threonine kinase; plus strand), C11orf65 (chromosome 11 open reading frame 65; minus strand). Cytogenetic location: 11q22.3.
Variant type: single nucleotide variant.
Coding change: c.9046A>G on transcript NM_000051.4 (MANE Select); coding-DNA position 9046, A replaced by G.
Protein change: p.Lys3016Glu; replaces lysine 3016 with glutamic acid.
Molecular consequence: missense variant. On other transcripts: intron variant (2).
Genome position (GRCh38, 1-based): chr11:108,365,383, A>G. VCF-style: chr11-108365383-A-G. GRCh37 (hg19) VCF-style: chr11-108236110-A-G.
Other names: c.9046A>G, p.Lys3016Glu (NM_001351834.2); c.640+20537T>C (NM_001330368.2); c.694+20537T>C (NM_001351110.2); short protein forms K3016E.
Identifiers: ClinVar variation 938997 (VCV000938997.12), dbSNP rs2091242377, ClinGen allele CA382531436.
Genomic context (GRCh38, chr11:108,365,383, plus strand): 5'-AGTGATATTGACCAGAGTTTCAACAAAGTAGCTGAACGTGTCTTAATGAGACTACAAGAG[A>G]AACTGAAAGGAGTGGAAGAAGGCACTGTGCTCAGTGTTGGTGGACAAGTGAATTTGCTCA-3'
Protein context (NP_000042.3, residues 3006-3026): AERVLMRLQE[Lys3016Glu]LKGVEEGTVL

ClinVar aggregate classification (germline): Uncertain significance. Review status: criteria provided, multiple submitters, no conflicts (2 of 4 stars). 3 submissions from 3 submitters: Uncertain significance (3). Last evaluated 2026-03-27.

Conditions:
Hereditary cancer-predisposing syndrome. Also called: Tumor predisposition; Neoplastic Syndromes, Hereditary; Hereditary neoplastic syndrome; Hereditary Cancer Syndrome. Identifiers: Orphanet 140162, MedGen C0027672, MeSH D009386, MONDO:0015356.
Ataxia-telangiectasia syndrome (AT). Also called: Ataxia-telangiectasia, complementation group D; AT, COMPLEMENTATION GROUP C; ATAXIA-TELANGIECTASIA, COMPLEMENTATION GROUP A; ATAXIA-TELANGIECTASIA, FRESNO VARIANT; Ataxia-telangiectasia; Ataxia telangiectasia (A-T). Identifiers: Orphanet 100, MedGen C0004135, MONDO:0008840, OMIM 208900.

Allele frequency attached by ClinVar (database versions not stated): gnomAD 0.00001 and below 0.00001.
gnomAD v4.1: 1 of 1,614,060 alleles (0.000062%); highest among the groups gnomAD compares: South Asian, 0.0011%; no homozygotes.

Submissions (3):

Ambry Genetics
Classification: Uncertain significance for Hereditary cancer-predisposing syndrome. Last evaluated: 2026-03-27. Review status: criteria provided, single submitter. Criteria: Ambry Variant Classification Scheme 2023. Collection method: clinical testing. Allele origin: germline.
Comment: The p.K3016E variant (also known as c.9046A>G), located in coding exon 62 of the ATM gene, results from an A to G substitution at nucleotide position 9046. The lysine at codon 3016 is replaced by glutamic acid, an amino acid with similar properties. In an assay testing ATM function, this variant showed a functionally abnormal result (Lee KS et al. Cell, 2025 Sep;188:5081-5099.e27). This amino acid position is highly conserved in available vertebrate species. In addition, the in silico prediction for this alteration is inconclusive. Based on the available evidence, the clinical significance of this variant remains unclear.

Women's Health and Genetics/Laboratory Corporation of America, LabCorp
Classification: Uncertain significance. Last evaluated: 2024-08-30. Review status: criteria provided, single submitter. Criteria: LabCorp Variant Classification Summary - May 2015. Collection method: clinical testing. Allele origin: germline.
Comment: Variant summary: ATM c.9046A>G (p.Lys3016Glu) results in a conservative amino acid change located in the Phosphatidylinositol 3-/4-kinase, catalytic domain (IPR000403) of the encoded protein sequence. Three of five in-silico tools predict a damaging effect of the variant on protein function. The variant was absent in 251454 control chromosomes. The available data on variant occurrences in the general population are insufficient to allow any conclusion about variant significance. c.9046A>G has been reported in the literature in at least one individual affected with chronic lymphocytic leukaemia, without strong evidence for causality (Petrackova_2022). This report does not provide unequivocal conclusions about association of the variant with Ataxia-Telangiectasia or ATM-related cancers. At least one publication reports experimental evidence evaluating an impact on protein function, however, does not allow convincing conclusions about the variant effect (Sun_2007). The following publications have been ascertained in the context of this evaluation (PMID: 36029002, 17923702). ClinVar contains an entry for this variant (Variation ID: 938997). Based on the evidence outlined above, the variant was classified as uncertain significance.

Labcorp Genetics (formerly Invitae), Labcorp
Classification: Uncertain significance for Ataxia-telangiectasia syndrome. Last evaluated: 2019-08-05. Review status: criteria provided, single submitter. Criteria: Invitae Variant Classification Sherloc (09022015). Collection method: clinical testing. Allele origin: germline.
Comment: Algorithms developed to predict the effect of missense changes on protein structure and function (SIFT, PolyPhen-2, Align-GVGD) all suggest that this variant is likely to be disruptive, but these predictions have not been confirmed by published functional studies and their clinical significance is uncertain. In summary, the available evidence is currently insufficient to determine the role of this variant in disease. Therefore, it has been classified as a Variant of Uncertain Significance. This variant has not been reported in the literature in individuals with ATM-related conditions. This variant is not present in population databases (ExAC no frequency). This sequence change replaces lysine with glutamic acid at codon 3016 of the ATM protein (p.Lys3016Glu). The lysine residue is highly conserved and there is a small physicochemical difference between lysine and glutamic acid.

Literature cited by the submitters: PubMed 40580951 (cited by Ambry Genetics); PubMed 36029002 (cited by Women's Health and Genetics/Laboratory Corporation of America, LabCorp); PubMed 17923702 (cited by Women's Health and Genetics/Laboratory Corporation of America, LabCorp).